The following is an entry in ClinVar:

NM_001184880.2(PCDH19):c.1469A>C (p.Tyr490Ser)

Gene: PCDH19 (protocadherin 19; minus strand). Cytogenetic location: Xq22.1.
Variant type: single nucleotide variant.
Coding change: c.1469A>C on transcript NM_001184880.2 (MANE Select); coding-DNA position 1469, A replaced by C.
Protein change: p.Tyr490Ser; replaces tyrosine 490 with serine.
Molecular consequence: missense variant.
Genome position (GRCh38, 1-based): chrX:100,407,129, T>G on the plus strand (A>C on the coding strand, the complement: PCDH19 is on the minus strand). VCF-style: chrX-100407129-T-G. GRCh37 (hg19) VCF-style: chrX-99662127-T-G.
Other names: c.1469A>C, p.Tyr490Ser (NM_001105243.2, NM_020766.3); short protein forms Y490S.
Identifiers: ClinVar variation 451251 (VCV000451251.5), dbSNP rs1555985142, ClinGen allele CA414002662.

ClinVar aggregate classification (germline): Likely pathogenic. Review status: criteria provided, single submitter (1 of 4 stars). 2 submissions from 2 submitters: Likely pathogenic (1). 1 of the submissions does not count toward it. Last evaluated 2017-08-10.

Conditions:
Glycine encephalopathy. Also called: Nonketotic hyperglycinemia; Non-ketotic hyperglycinemia. Identifiers: Orphanet 407, MedGen C0751748, MONDO:0011612, HP:0008288.
Developmental and epileptic encephalopathy, 9 (DEE9). Also called: JUBERG-HELLMAN SYNDROME; Early infantile epileptic encephalopathy 9; EPILEPSY, FEMALE-RESTRICTED, WITH MENTAL RETARDATION; PCDH19-Related X-Linked Female-Limited Epilepsy with Mental Retardation. Identifiers: Orphanet 101039, Orphanet 2076, MedGen C1848137, MONDO:0010246, OMIM 300088. Disease mechanism: loss of function.

Submissions (2):

GeneDx
Classification: Likely pathogenic. Last evaluated: 2017-08-10. Review status: criteria provided, single submitter. Criteria: GeneDx Variant Classification (06012015). Collection method: clinical testing. Allele origin: germline. Affected: yes.
Comment: A variant that is likely pathogenic has been identified in the PCDH19 gene. The Y490S variant has not been published as a pathogenic variant, nor has it been reported as a benign variant to our knowledge. TheY490S variant is not observed in large population cohorts (Lek et al., 2016; 1000 Genomes Consortium et al., 2015; Exome Variant Server). The Y490S variant is a semi-conservative amino acid substitution, which may impact secondary protein structure as these residues differ in some properties. This substitution occurs at a position that is conserved across species, and in silico analysis predicts this variant is probably damaging to the protein structure/function. Therefore, we interpret Y490S as a likely pathogenic variant.

Neurogenetics Research Program, University of Adelaide
Classification: Likely pathogenic for Developmental and epileptic encephalopathy, 9; Glycine encephalopathy 1. Last evaluated: 2019-12-20. Review status: no assertion criteria provided. Collection method: research. Allele origin: de novo. Affected: yes. Not counted in ClinVar's aggregate classification.